The following is an entry in ClinVar:

NM_001048174.2(MUTYH):c.1516C>T (p.Arg506Trp)

Gene: MUTYH (mutY DNA glycosylase; minus strand). Cytogenetic location: 1p34.1.
Variant type: single nucleotide variant.
Coding change: c.1516C>T on transcript NM_001048174.2 (MANE Select); coding-DNA position 1516, C replaced by T.
Protein change: p.Arg506Trp; replaces arginine 506 with tryptophan.
Molecular consequence: missense variant. On other transcripts: non-coding transcript variant (2).
Genome position (GRCh38, 1-based): chr1:45,329,356, G>A on the plus strand (C>T on the coding strand, the complement: MUTYH is on the minus strand). VCF-style: chr1-45329356-G-A. GRCh37 (hg19) VCF-style: chr1-45795028-G-A.
Other names: p.R534W:CGG>TGG; c.1516C>T, p.Arg506Trp (NM_001048171.2, NM_001048173.2, NM_001293195.2); c.1519C>T, p.Arg507Trp (NM_001048172.2); c.1600C>T, p.Arg534Trp (NM_001128425.2); c.1561C>T, p.Arg521Trp (NM_001293190.2); c.1549C>T, p.Arg517Trp (NM_001293191.2); c.1240C>T, p.Arg414Trp (NM_001293192.2, NM_001293196.2); c.1171C>T, p.Arg391Trp (NM_001350650.2, NM_001350651.2); and 1 more; short protein forms R534W, R531W, R506W, R507W, R391W, R414W, R517W, R521W.
Identifiers: ClinVar variation 127842 (VCV000127842.42), dbSNP rs144616312, ClinGen allele CA013149.

ClinVar aggregate classification (germline): Conflicting classifications of pathogenicity. Review status: criteria provided, conflicting classifications (1 of 4 stars). 12 submissions from 12 submitters: Uncertain significance (10); Benign (1). 1 of the submissions does not count toward it. Last evaluated 2026-02-23.

Conditions:
MUTYH-related disorder. Also called: MUTYH-related disorders; MUTYH-related condition.
Familial adenomatous polyposis 2. Also called: COLORECTAL ADENOMATOUS POLYPOSIS, AUTOSOMAL RECESSIVE; ADENOMAS, MULTIPLE COLORECTAL, AUTOSOMAL RECESSIVE; MUTYH Polyposis; MYH-associated polyposis; FAP type 2; Adenomas, multiple colorectal. Identifiers: Orphanet 220460, Orphanet 247798, MedGen C3272841, MONDO:0012041, OMIM 608456.
Gastric cancer. Also called: Malignant tumor of stomach; Stomach cancer. Identifiers: MedGen C0024623, MeSH D013274, MONDO:0001056, OMIM 613659, HP:0012126.
Hereditary cancer-predisposing syndrome. Also called: Neoplastic Syndromes, Hereditary; Tumor predisposition; Hereditary Cancer Syndrome; Hereditary neoplastic syndrome. Identifiers: Orphanet 140162, MedGen C0027672, MeSH D009386, MONDO:0015356.

Allele frequency attached by ClinVar (database versions not stated): gnomAD exomes 0.00001; TOPMed 0.00002; gnomAD 0.00003.
gnomAD v4.1: 61 of 1,614,096 alleles (0.0038%); highest among the groups gnomAD compares: Non-Finnish European, 0.0039%; no homozygotes.

Submissions (12):

PreventionGenetics, part of Exact Sciences
Classification: Uncertain significance for MUTYH-related condition. Last evaluated: 2026-02-23. Review status: criteria provided, single submitter. Criteria: ACMG Guidelines, 2015. Collection method: clinical testing. Allele origin: germline.
Comment: The MUTYH c.1600C>T variant is predicted to result in the amino acid substitution p.Arg534Trp. To our knowledge, this variant has not been reported in the literature. An alternative missense change at the same amino acid position, described as p.Arg534Gln, has been reported in a patient with lung cancer and was found to have reduced enzyme activity in functional assays (also described as R520Q in Fleischmann. 2004. PubMed ID: 14991577 and Brinkmeyer. 2015. PubMed ID: 26377631). This variant is reported in 0.0028% of alleles in individuals of Latino descent in gnomAD and an interpretation of uncertain significance in ClinVar (Variation ID: 127842). At this time, the clinical significance of this variant is uncertain due to the absence of conclusive functional and genetic evidence.

Labcorp Genetics (formerly Invitae), Labcorp
Classification: Uncertain significance for Familial adenomatous polyposis 2. Last evaluated: 2026-01-19. Review status: criteria provided, single submitter. Criteria: Invitae Variant Classification Sherloc (09022015). Collection method: clinical testing. Allele origin: germline.
Comment: This sequence change replaces arginine, which is basic and polar, with tryptophan, which is neutral and slightly polar, at codon 534 of the MUTYH protein (p.Arg534Trp). This variant is present in population databases (rs144616312, gnomAD 0.003%). This variant has not been reported in the literature in individuals affected with MUTYH-related conditions. ClinVar contains an entry for this variant (Variation ID: 127842). An algorithm developed to predict the effect of missense changes on protein structure and function outputs the following: PolyPhen-2: "Benign". The tryptophan amino acid residue is found in multiple mammalian species, which suggests that this missense change does not adversely affect protein function. In summary, the available evidence is currently insufficient to determine the role of this variant in disease. Therefore, it has been classified as a Variant of Uncertain Significance.

Center for Genomic Medicine, Rigshospitalet, Copenhagen University Hospital
Classification: Uncertain significance. Last evaluated: 2025-12-29. Review status: criteria provided, single submitter. Criteria: ACMG Guidelines, 2015. Collection method: clinical testing. Allele origin: germline.
Comment: Classification criteria: BP4

Ambry Genetics
Classification: Benign for Hereditary cancer-predisposing syndrome. Last evaluated: 2025-09-09. Review status: criteria provided, single submitter. Criteria: Ambry Variant Classification Scheme 2023. Collection method: clinical testing. Allele origin: germline.

Color Diagnostics, LLC DBA Color Health
Classification: Uncertain significance for Hereditary cancer-predisposing syndrome. Last evaluated: 2025-08-06. Review status: criteria provided, single submitter. Criteria: ACMG Guidelines, 2015. Collection method: clinical testing. Allele origin: germline.
Comment: This missense variant replaces arginine with tryptophan at codon 534 of the MUTYH protein. This variant is also known as c.1516C>T (p.Arg506Trp) based on the NM_001048174.2 transcript. Computational prediction suggests that this variant may not impact protein structure and function. To our knowledge, functional studies have not been reported for this variant. In a large international case-control study, this variant was reported in 6/60466 breast cancer cases and 5/53461 controls (OR=1.061, 95%CI 0.324 to 3.477, p-value=1PMID: 33471991). This variant has also been reported in an individual affected with multiform glioblastoma (PMID: 26689913). This variant has been identified in 3/282896 chromosomes in the general population by the Genome Aggregation Database (gnomAD). The available evidence is insufficient to determine the role of this variant in disease conclusively. Therefore, this variant is classified as a Variant of Uncertain Significance.

Quest Diagnostics Nichols Institute San Juan Capistrano
Classification: Uncertain significance. Last evaluated: 2025-05-14. Review status: criteria provided, single submitter. Criteria: Quest Diagnostics criteria. Collection method: clinical testing. Allele origin: unknown.
Comment: The MUTYH c.1600C>T (p.Arg534Trp) variant has been reported in the published literature in individuals affected with glioblastoma (PMID: 26689913 (2015)) and breast cancer (PMID: 35884425 (2022), 33471991 (2021), see also LOVD). This variant has also been identified in at least one reportedly unaffected individual (PMID: 33471991 (2021), see also LOVD). The frequency of this variant in the general population (Genome Aggregation Database) is uninformative in the assessment of its pathogenicity. Analysis of this variant using bioinformatics tools for the prediction of the effect of amino acid changes on protein structure and function yielded predictions that this variant is benign. Based on the available information, we are unable to determine the clinical significance of this variant.

Department of Pathology and Laboratory Medicine, Sinai Health System
Classification: Uncertain significance for Familial adenomatous polyposis 2; Gastric cancer. Last evaluated: 2024-08-21. Review status: criteria provided, single submitter. Criteria: ACMG Guidelines, 2015. Collection method: clinical testing. Allele origin: germline. Affected: yes.

All of Us Research Program, National Institutes of Health
Classification: Uncertain significance for Familial adenomatous polyposis 2. Last evaluated: 2024-08-06. Review status: criteria provided, single submitter. Criteria: ACMG Guidelines, 2015. Collection method: clinical testing. Allele origin: germline. Inheritance: Autosomal recessive inheritance. Observed: 16 variant alleles, 16 heterozygotes.
Comment: This missense variant replaces arginine with tryptophan at codon 534 of the MUTYH protein. This variant is also known as c.1516C>T (p.Arg506Trp) based on the NM_001048174.2 transcript. Computational prediction suggests that this variant may not impact protein structure and function (internally defined REVEL score threshold <= 0.5, PMID: 27666373). To our knowledge, functional studies have not been reported for this variant. In a large international case-control study, this variant was reported in 6/60466 breast cancer cases and 5/53461 controls (OR=1.061, 95%CI 0.324 to 3.477, p-value=1; PMID: 33471991). This variant has also been reported in an individual affected with multiform glioblastoma (PMID: 26689913). This variant has been identified in 3/282896 chromosomes in the general population by the Genome Aggregation Database (gnomAD). The available evidence is insufficient to determine the role of this variant in disease conclusively. Therefore, this variant is classified as a Variant of Uncertain Significance.

This study involves interpretation of variants in research participants for the purpose of population health screening. Participant phenotype was not available at the time of variant classification. Additional details can be found in publication PMID: 35346344, PMCID: PMC8962531

Baylor Genetics
Classification: Uncertain significance for Familial adenomatous polyposis 2. Last evaluated: 2024-03-19. Review status: criteria provided, single submitter. Criteria: ACMG Guidelines, 2015. Collection method: clinical testing. Allele origin: unknown.

GeneDx
Classification: Uncertain significance. Last evaluated: 2024-02-16. Review status: criteria provided, single submitter. Criteria: GeneDx Variant Classification Process June 2021. Collection method: clinical testing. Allele origin: germline. Affected: yes.
Comment: Not observed at significant frequency in large population cohorts (gnomAD); In silico analysis supports that this missense variant does not alter protein structure/function; This variant is associated with the following publications: (PMID: 25340522, 28166811, 11092888, 23108399, 26689913, 33471991)

Sema4
Classification: Uncertain significance for Hereditary cancer-predisposing syndrome. Last evaluated: 2021-12-17. Review status: criteria provided, single submitter. Criteria: Sema4 Curation Guidelines. Collection method: curation. Allele origin: germline.
Comment: The MUTYH c.1600C>T (p.R534W) variant has been reported in at least one individual with glioblastoma multiforme (PMID: 33471991, 26689913). It has also been reported in 6/60466 breast cancer cases and 5/53461 healthy controls by a large case-control study (PMID: 33471991). It was observed in 3/282896 chromosomes in the large and broad cohorts of the Genome Aggregation Database (PMID: 32461654). The variant has been reported in ClinVar (Variation ID: 127842). Functional studies have not been performed, and in silico predictions of the variant's effect on protein function are inconclusive. The evidence is insufficient to meet ACMG/AMP criteria for classifying the variant as benign or pathogenic. Thus, the clinical significance of this variant is currently uncertain.

True Health Diagnostics
Classification: Uncertain significance for Hereditary cancer-predisposing syndrome. Last evaluated: 2018-05-29. Review status: no assertion criteria provided. Collection method: clinical testing. Allele origin: germline. Not counted in ClinVar's aggregate classification.

Literature cited by the submitters: PubMed 40738107 (cited by Ambry Genetics); PubMed 26689913 (cited by 4 submitters); PubMed 35884425 (cited by Quest Diagnostics Nichols Institute San Juan Capistrano); PubMed 33471991 (cited by 4 submitters).